The following is an entry in ClinVar:

NM_021072.4(HCN1):c.2519C>A (p.Thr840Asn)

Gene: HCN1 (hyperpolarization activated cyclic nucleotide gated potassium channel 1; minus strand). Cytogenetic location: 5p12.
Variant type: single nucleotide variant.
Coding change: c.2519C>A on transcript NM_021072.4 (MANE Select); coding-DNA position 2519, C replaced by A.
Protein change: p.Thr840Asn; replaces threonine 840 with asparagine.
Molecular consequence: missense variant.
Genome position (GRCh38, 1-based): chr5:45,262,075, G>T on the plus strand (C>A on the coding strand, the complement: HCN1 is on the minus strand). VCF-style: chr5-45262075-G-T. GRCh37 (hg19) VCF-style: chr5-45262177-G-T.
Other names: short protein forms T840N.
Identifiers: ClinVar variation 3371752 (VCV003371752.1).

ClinVar aggregate classification (germline): Uncertain significance (1 of 4 stars; one submission).

gnomAD v4.1: 1 of 1,613,742 alleles (0.000062%); no homozygotes.

Submission:

GeneDx
Classification: Uncertain significance. Last evaluated: 2024-03-27. Review status: criteria provided, single submitter. Criteria: GeneDx Variant Classification Process June 2021. Collection method: clinical testing. Allele origin: germline. Affected: yes.
Comment: Not observed at significant frequency in large population cohorts (gnomAD); In silico analysis supports that this missense variant does not alter protein structure/function; Has not been previously published as pathogenic or benign to our knowledge